The following is an entry in ClinVar:

NM_001065.3(TNFRSF1A):c.-581A>G

Gene: TNFRSF1A (TNF receptor superfamily member 1A; minus strand). Cytogenetic location: 12p13.31.
Variant type: single nucleotide variant.
Coding change: c.-581A>G on transcript NM_001065.3; 581 bases upstream of the start codon, A replaced by G.
Genome position (GRCh38, 1-based): chr12:6,342,395, T>C on the plus strand (A>G on the coding strand, the complement: TNFRSF1A is on the minus strand). VCF-style: chr12-6342395-T-C. GRCh37 (hg19) VCF-style: chr12-6451561-T-C.
Identifiers: ClinVar variation 669759 (VCV000669759.3), dbSNP rs4149621, ClinGen allele CA15726691.
Genomic context (GRCh38, chr12:6,342,395, plus strand): 5'-ATTCTCTGGGTTCCAATTCAGAATGCTTAGCTTTTTAGCTAAGAATGTGTCTTGGACACA[T>C]AAATGAACTTCTCAGACACATAACTGAAACTGTCTGGATCTGTTTTCCAATTTGCAGAGT-3'

ClinVar aggregate classification (germline): Benign (1 of 4 stars; one submission).

Allele frequency attached by ClinVar (database versions not stated): gnomAD 0.16099 and 0.15285; 1000 Genomes Project 0.19489; 1000 Genomes Project 30x 0.20347; TOPMed 0.17377.

Submission:

GeneDx
Classification: Benign. Last evaluated: 2018-06-14. Review status: criteria provided, single submitter. Criteria: GeneDx Variant Classification (06012015). Collection method: clinical testing. Allele origin: germline. Affected: yes.
Comment: This variant is considered likely benign or benign based on one or more of the following criteria: it is a conservative change, it occurs at a poorly conserved position in the protein, it is predicted to be benign by multiple in silico algorithms, and/or has population frequency not consistent with disease.